The following is an entry in ClinVar:

ClinVar aggregate classification (germline): Pathogenic. Review status: criteria provided, multiple submitters, no conflicts (2 of 4 stars). 7 submissions from 7 submitters: Pathogenic (6). 1 of the submissions does not count toward it. Last evaluated 2025-04-17.

Conditions:
Isovaleryl-CoA dehydrogenase deficiency (IVA). Also called: Isovaleric acidemia; IVD DEFICIENCY; ISOVALERIC ACID CoA DEHYDROGENASE DEFICIENCY; Classic Isovaleric Acidemia. Identifiers: Orphanet 33, MedGen C0268575, MONDO:0009475, OMIM 243500.

Allele frequency attached by ClinVar (database versions not stated): gnomAD exomes below 0.00001 and 0.00002; gnomAD 0.00001; TOPMed 0.00001; ExAC 0.00002.

Submissions (7):

Labcorp Genetics (formerly Invitae), Labcorp
Classification: Pathogenic for Isovaleryl-CoA dehydrogenase deficiency. Last evaluated: 2025-04-17. Review status: criteria provided, single submitter. Criteria: Invitae Variant Classification Sherloc (09022015). Collection method: clinical testing. Allele origin: germline.
Comment: This sequence change replaces tyrosine, which is neutral and polar, with cysteine, which is neutral and slightly polar, at codon 403 of the IVD protein (p.Tyr403Cys). This variant is present in population databases (rs773560012, gnomAD 0.03%). This missense change has been observed in individual(s) with isovaleric acidemia (PMID: 17027310, 20519759, 26018748). In at least one individual the data is consistent with being in trans (on the opposite chromosome) from a pathogenic variant. This variant is also known as Y371C. ClinVar contains an entry for this variant (Variation ID: 371390). An algorithm developed to predict the effect of missense changes on protein structure and function (PolyPhen-2) suggests that this variant is likely to be disruptive. For these reasons, this variant has been classified as Pathogenic.

Natera, Inc.
Classification: Pathogenic for Isovaleryl-coa dehydrogenase deficiency. Last evaluated: 2024-07-15. Review status: criteria provided, single submitter. Criteria: Natera Variant Classification Schema (03/2026). Collection method: clinical testing. Allele origin: germline.
Comment: The c.1208A>G variant in IVD is a missense variant predicted to cause substitution of tyrosine to cysteine at amino acid 403. This variant is rare in the general population with a frequency below the threshold expected for the associated phenotype(s). This variant has been observed in one or more individuals affected with the associated recessive disease, as either homozygous or compound heterozygous with a second variant (PMID: 22004070, 17027310). Computational prediction algorithms indicate this variant is likely to affect gene or protein function. Given the available evidence, this variant is classified as Pathogenic.

Fulgent Genetics
Classification: Pathogenic for Isovaleryl-CoA dehydrogenase deficiency. Last evaluated: 2024-06-11. Review status: criteria provided, single submitter. Criteria: ACMG Guidelines, 2015. Collection method: clinical testing. Allele origin: germline.

CeGaT Center for Human Genetics Tuebingen
Classification: Pathogenic. Last evaluated: 2024-06-01. Review status: criteria provided, single submitter. Criteria: CeGaT Center For Human Genetics Tuebingen Variant Classification Criteria Version 2. Collection method: clinical testing. Allele origin: germline. Affected: yes. Observed: 1 variant allele.
Comment: IVD: PM3:Very Strong, PM1, PM2, PM5, PP3, PP4

Baylor Genetics
Classification: Pathogenic for Isovaleryl-CoA dehydrogenase deficiency. Last evaluated: 2024-03-29. Review status: criteria provided, single submitter. Criteria: ACMG Guidelines, 2015. Collection method: clinical testing. Allele origin: unknown.

Juno Genomics, Hangzhou Juno Genomics, Inc
Classification: Pathogenic for Isovaleryl-CoA dehydrogenase deficiency. Review status: criteria provided, single submitter. Criteria: ACMG Guidelines, 2015. Collection method: clinical testing. Allele origin: germline.
Comment: Absent from controls (or at extremely low frequency if recessive) in Genome Aggregation Database.;Multiple lines of computational evidence support a deleterious effect on the gene or gene product.;For recessive disorders, detected in trans with a pathogenic variant.;Patient's phenotype or family history is highly specific for a disease with a single genetic etiology.

Counsyl
Classification: Likely pathogenic for Isovaleryl-CoA dehydrogenase deficiency. Last evaluated: 2016-09-13. Review status: no assertion criteria provided. Collection method: clinical testing. Allele origin: unknown. Not counted in ClinVar's aggregate classification.

Literature cited by the submitters: PubMed 17027310 (cited by 3 submitters); PubMed 20519759 (cited by Labcorp Genetics (formerly Invitae), Labcorp and Counsyl); PubMed 26018748 (cited by Labcorp Genetics (formerly Invitae), Labcorp and Counsyl); PubMed 22004070 (cited by Natera, Inc. and Counsyl).

NM_002225.5(IVD):c.1199A>G (p.Tyr400Cys)

Gene: IVD (isovaleryl-CoA dehydrogenase; plus strand). Cytogenetic location: 15q15.1.
Variant type: single nucleotide variant.
Coding change: c.1199A>G on transcript NM_002225.5 (MANE Select); coding-DNA position 1199, A replaced by G.
Protein change: p.Tyr400Cys; replaces tyrosine 400 with cysteine.
Molecular consequence: missense variant. On other transcripts: intron variant (3).
Genome position (GRCh38, 1-based): chr15:40,418,190, A>G. VCF-style: chr15-40418190-A-G. GRCh37 (hg19) VCF-style: chr15-40710389-A-G.
Other names: c.1109A>G, p.Tyr370Cys (NM_001159508.3); c.1151A>G, p.Tyr384Cys (NM_001354597.3); c.1286A>G, p.Tyr429Cys (NM_001354599.3); c.1225+1828A>G (NM_001354600.3); c.1138+1828A>G (NM_001354598.3, NM_001354601.3); short protein forms Y400C, Y370C, Y429C, Y384C.
Identifiers: ClinVar variation 371390 (VCV000371390.37), dbSNP rs773560012, ClinGen allele CA7480918.
Genomic context (GRCh38, chr15:40,418,190, plus strand): 5'-GTGGCAATGGCTACATCAATGACTTTCCCATGGGCCGCTTTCTTCGAGATGCCAAGCTGT[A>G]TGAGATAGGGGCTGGGACCAGCGAGGTGAGGCGGCTGGTCATCGGCAGAGCCTTCAATGC-3'
Protein context (NP_002216.3, residues 390-410): MGRFLRDAKL[Tyr400Cys]EIGAGTSEVR